The following is an entry in ClinVar:

NM_033004.4(NLRP1):c.499G>A (p.Glu167Lys)

Gene: NLRP1 (NLR family pyrin domain containing 1; minus strand). Cytogenetic location: 17p13.2.
Variant type: single nucleotide variant.
Coding change: c.499G>A on transcript NM_033004.4 (MANE Select); coding-DNA position 499, G replaced by A.
Protein change: p.Glu167Lys; replaces glutamic acid 167 with lysine.
Molecular consequence: missense variant.
Genome position (GRCh38, 1-based): chr17:5,582,012, C>T on the plus strand (G>A on the coding strand, the complement: NLRP1 is on the minus strand). VCF-style: chr17-5582012-C-T. GRCh37 (hg19) VCF-style: chr17-5485332-C-T.
Other names: c.499G>A (NM_033004.3); c.499G>A, p.Glu167Lys (NM_001033053.3, NM_014922.5, NM_033006.4 and 1 more transcripts); short protein forms E167K.
Identifiers: ClinVar variation 1943780 (VCV001943780.6), dbSNP rs1262169938, ClinGen allele CA397389843.

ClinVar aggregate classification (germline): Uncertain significance. Review status: criteria provided, multiple submitters, no conflicts (2 of 4 stars). 2 submissions from 2 submitters: Uncertain significance (2). Last evaluated 2025-10-07.

Conditions:
Inborn genetic diseases. Identifiers: MedGen C0950123, MeSH D030342.

Allele frequency attached by ClinVar (database versions not stated): gnomAD exomes 0.00001; TOPMed 0.00002.
gnomAD v4.1: 11 of 1,613,778 alleles (0.00068%); highest among the groups gnomAD compares: Admixed American, 0.0033%; no homozygotes.

Submissions (2):

Ambry Genetics
Classification: Uncertain significance for Inborn genetic diseases. Last evaluated: 2025-10-07. Review status: criteria provided, single submitter. Criteria: Ambry Variant Classification Scheme 2023. Collection method: clinical testing. Allele origin: germline.

Labcorp Genetics (formerly Invitae), Labcorp
Classification: Uncertain significance. Last evaluated: 2022-10-13. Review status: criteria provided, single submitter. Criteria: Invitae Variant Classification Sherloc (09022015). Collection method: clinical testing. Allele origin: germline.
Comment: This variant has not been reported in the literature in individuals affected with NLRP1-related conditions. This sequence change replaces glutamic acid, which is acidic and polar, with lysine, which is basic and polar, at codon 167 of the NLRP1 protein (p.Glu167Lys). This variant is present in population databases (no rsID available, gnomAD 0.006%). Algorithms developed to predict the effect of missense changes on protein structure and function output the following: SIFT: "Tolerated"; PolyPhen-2: "Benign"; Align-GVGD: "Class C0". The lysine amino acid residue is found in multiple mammalian species, which suggests that this missense change does not adversely affect protein function. In summary, the available evidence is currently insufficient to determine the role of this variant in disease. Therefore, it has been classified as a Variant of Uncertain Significance.